The following is an entry in ClinVar:

NM_006118.4(HAX1):c.400G>T (p.Asp134Tyr)

Gene: HAX1 (HCLS1 associated protein X-1; plus strand). Cytogenetic location: 1q21.3.
Variant type: single nucleotide variant.
Coding change: c.400G>T on transcript NM_006118.4 (MANE Select); coding-DNA position 400, G replaced by T.
Protein change: p.Asp134Tyr; replaces aspartic acid 134 with tyrosine.
Molecular consequence: missense variant.
Genome position (GRCh38, 1-based): chr1:154,273,857, G>T. VCF-style: chr1-154273857-G-T. GRCh37 (hg19) VCF-style: chr1-154246333-G-T.
Other names: c.256G>T, p.Asp86Tyr (NM_001018837.2); short protein forms D86Y, D134Y.
Identifiers: ClinVar variation 4269019 (VCV004269019.1).
Genomic context (GRCh38, chr1:154,273,857, plus strand): 5'-ACACCTGGTGAGAGACTACGGGAGGGACAGACACTTCGGGACTCAATGCTTAAGTATCCA[G>T]ATAGTCACCAGCCCAGGATCTTTGGGGGGGTCTTGGAGAGTGATGCAAGAAGTGAATCCC-3'
Protein context (NP_006109.2, residues 124-144): TLRDSMLKYP[Asp134Tyr]SHQPRIFGGV

ClinVar aggregate classification (germline): Uncertain significance (1 of 4 stars; one submission).

Conditions:
Inborn genetic diseases. Identifiers: MedGen C0950123, MeSH D030342.

Submission:

Ambry Genetics
Classification: Uncertain significance for Inborn genetic diseases. Last evaluated: 2025-06-22. Review status: criteria provided, single submitter. Criteria: Ambry Variant Classification Scheme 2023. Collection method: clinical testing. Allele origin: germline.
Comment: The p.D134Y variant (also known as c.400G>T), located in coding exon 3 of the HAX1 gene, results from a G to T substitution at nucleotide position 400. The aspartic acid at codon 134 is replaced by tyrosine, an amino acid with highly dissimilar properties. This amino acid position is conserved. In addition, the in silico prediction for this alteration is inconclusive. Based on the available evidence, the clinical significance of this variant remains unclear.